The following is an entry in ClinVar:

NM_001165963.4(SCN1A):c.2234T>G (p.Phe745Cys)

Gene: SCN1A (sodium voltage-gated channel alpha subunit 1; minus strand). Cytogenetic location: 2q24.3.
Variant type: single nucleotide variant.
Coding change: c.2234T>G on transcript NM_001165963.4 (MANE Select); coding-DNA position 2234, T replaced by G.
Protein change: p.Phe745Cys; replaces phenylalanine 745 with cysteine.
Molecular consequence: missense variant. On other transcripts: 5 prime UTR variant (1), non-coding transcript variant (1).
Genome position (GRCh38, 1-based): chr2:166,041,412, A>C on the plus strand (T>G on the coding strand, the complement: SCN1A is on the minus strand). VCF-style: chr2-166041412-A-C. GRCh37 (hg19) VCF-style: chr2-166897922-A-C.
Other names: p.Phe745Cys; c.2234T>G (NM_001165963.3); c.2150T>G, p.Phe717Cys (NM_001165964.3, NM_001353957.2, NM_001353958.2); c.-225T>G (NM_001353961.2); c.2201T>G, p.Phe734Cys (NM_006920.6, NM_001353949.2, NM_001353950.2 and 2 more transcripts); c.2234T>G, p.Phe745Cys (NM_001202435.3, NM_001353948.2); c.2198T>G, p.Phe733Cys (NM_001353954.2, NM_001353955.2); c.2147T>G, p.Phe716Cys (NM_001353960.2); short protein forms F745C, F734C, F716C, F717C, F733C.
Identifiers: ClinVar variation 574497 (VCV000574497.13), dbSNP rs778852888, ClinGen allele CA1943140.

ClinVar aggregate classification (germline): Uncertain significance. Review status: criteria provided, multiple submitters, no conflicts (2 of 4 stars). 5 submissions from 4 submitters: Uncertain significance (5). Last evaluated 2025-02-24.

Conditions:
Generalized epilepsy with febrile seizures plus, type 2 (GEFSP2). Also called: GEFS+, TYPE 2. Identifiers: Orphanet 36387, MedGen C1858673, MONDO:0011461, OMIM 604403.
Migraine, familial hemiplegic, 3. Identifiers: Orphanet 569, MedGen C1864987, MONDO:0012320, OMIM 609634.
Early-infantile DEE. Also called: Early infantile epileptic encephalopathy; Early infantile epileptic encephalopathy with suppression bursts; Ohtahara syndrome. Identifiers: Orphanet 1934, MedGen C0393706, MONDO:0800491.

Allele frequency attached by ClinVar (database versions not stated): gnomAD 0.00001; gnomAD exomes 0.00001 and 0.00002; ExAC 0.00002; TOPMed 0.00002.

Submissions (5):

Revvity Omics, Revvity
Classification: Uncertain significance. Last evaluated: 2025-02-24. Review status: criteria provided, single submitter. Criteria: ACMG Guidelines, 2015. Collection method: clinical testing. Allele origin: germline.

Mayo Clinic Laboratories, Mayo Clinic
Classification: Uncertain significance. Last evaluated: 2024-02-13. Review status: criteria provided, single submitter. Criteria: ACMG Guidelines, 2015. Collection method: clinical testing. Allele origin: germline. Observed: 1 variant allele.
Comment: PP2

Labcorp Genetics (formerly Invitae), Labcorp
Classification: Uncertain significance for Early-infantile DEE. Last evaluated: 2023-05-17. Review status: criteria provided, single submitter. Criteria: Invitae Variant Classification Sherloc (09022015). Collection method: clinical testing. Allele origin: germline.
Comment: In summary, the available evidence is currently insufficient to determine the role of this variant in disease. Therefore, it has been classified as a Variant of Uncertain Significance. Advanced modeling of protein sequence and biophysical properties (such as structural, functional, and spatial information, amino acid conservation, physicochemical variation, residue mobility, and thermodynamic stability) performed at Invitae indicates that this missense variant is not expected to disrupt SCN1A protein function. ClinVar contains an entry for this variant (Variation ID: 574497). This variant has not been reported in the literature in individuals affected with SCN1A-related conditions. This variant is present in population databases (rs778852888, gnomAD 0.004%). This sequence change replaces phenylalanine, which is neutral and non-polar, with cysteine, which is neutral and slightly polar, at codon 745 of the SCN1A protein (p.Phe745Cys).

Illumina Laboratory Services, Illumina
Classification: Uncertain significance for Generalized epilepsy with febrile seizures plus, type 2. Last evaluated: 2018-01-13. Review status: criteria provided, single submitter. Criteria: ICSL Variant Classification Criteria 13 December 2019. Collection method: clinical testing. Allele origin: germline.

Illumina Laboratory Services, Illumina
Classification: Uncertain significance for Migraine, familial hemiplegic, 3. Last evaluated: 2018-01-13. Review status: criteria provided, single submitter. Criteria: ICSL Variant Classification Criteria 13 December 2019. Collection method: clinical testing. Allele origin: germline.